The following is an entry in ClinVar:

ClinVar aggregate classification (germline): Pathogenic. Review status: criteria provided, multiple submitters, no conflicts (2 of 4 stars). 2 submissions from 2 submitters: Pathogenic (2). Last evaluated 2026-03-29.

Conditions:
Baller-Gerold syndrome (BGS). Also called: CRANIOSYNOSTOSIS WITH RADIAL DEFECTS. Identifiers: Orphanet 1225, MedGen C0265308, MONDO:0009039, OMIM 218600.
Rothmund-Thomson syndrome type 2 (RTS2). Identifiers: Orphanet 221016, MedGen C5203410, MONDO:0016369, OMIM 268400.

Submissions (2):

Victorian Clinical Genetics Services, Murdoch Childrens Research Institute
Classification: Pathogenic for Rothmund-Thomson syndrome type 2. Last evaluated: 2026-03-29. Review status: criteria provided, single submitter. Criteria: ACMG Guidelines, 2015. Collection method: clinical testing. Allele origin: germline. Affected: yes.
Comment: This variant is classified as Pathogenic. Evidence in support of pathogenic classification: Variant is predicted to cause nonsense-mediated decay (NMD) and loss of protein (premature termination codon is located at least 54 nucleotides upstream of the final exon-exon junction); Variant is present in gnomAD <0.01 for a recessive condition (v4: 3 heterozygote(s), 0 homozygote(s)). A different nucleotide change also resulting in a stop codon at the same residue is present in gnomAD (v4) (1 heterozygote(s), 0 homozygote(s)); This variant has limited previous evidence of pathogenicity in unrelated individuals. This variant, along with an alternative nucleotide change resulting in the same protein outcome, have been classified as pathogenic by clinical laboratories in ClinVar and reported in an individual with a RECQL4-related disorder (PMIDs: 38021400, 29565416); Other NMD-predicted variants comparable to the one identified in this case have very strong previous evidence for pathogenicity (DECIPHER). Additional information: This variant is heterozygous; This gene is associated with autosomal recessive disease; No published evidence of segregation with disease has been identified for this variant; No published functional evidence has been identified for this variant; Loss of function is a known mechanism of disease in this gene and is associated with Baller-Gerold syndrome (MIM#218600), RAPADILINO syndrome (MIM#266280), and Rothmund-Thomson syndrome, type 2 (MIM#268400). There is no clear genotype-phenotype correlation; Variants in this gene are known to have variable expressivity. The clinical presentation of patients can be variable including severity of features (PMIDs: 38021400, 20301415); Heterozygous variant detected in trans with a second PATHOGENIC heterozygous variant (NM_004260.4(RECQL4):c.3277del; p.(Asp1093Metfs*57)) in a recessive disease.

Labcorp Genetics (formerly Invitae), Labcorp
Classification: Pathogenic for Baller-Gerold syndrome. Last evaluated: 2023-05-10. Review status: criteria provided, single submitter. Criteria: Invitae Variant Classification Sherloc (09022015). Collection method: clinical testing. Allele origin: germline.
Comment: For these reasons, this variant has been classified as Pathogenic. This variant has not been reported in the literature in individuals affected with RECQL4-related conditions. This variant is not present in population databases (gnomAD no frequency). This sequence change creates a premature translational stop signal (p.Trp264*) in the RECQL4 gene. It is expected to result in an absent or disrupted protein product. Loss-of-function variants in RECQL4 are known to be pathogenic (PMID: 12734318, 12952869).

Literature cited by the submitters: PubMed 38021400 (cited by Victorian Clinical Genetics Services, Murdoch Childrens Research Institute); PubMed 20301415 (cited by Victorian Clinical Genetics Services, Murdoch Childrens Research Institute); PubMed 29565416 (cited by Victorian Clinical Genetics Services, Murdoch Childrens Research Institute); PubMed 12734318 (cited by Labcorp Genetics (formerly Invitae), Labcorp); PubMed 12952869 (cited by Labcorp Genetics (formerly Invitae), Labcorp).

NM_004260.4(RECQL4):c.792del (p.Arg263_Trp264insTer)

Gene: RECQL4 (RecQ like helicase 4; minus strand). Cytogenetic location: 8q24.3.
Variant type: Deletion.
Coding change: c.792del on transcript NM_004260.4 (MANE Select); coding-DNA position 792, one base deleted (G; older notation c.792delG).
Protein change: p.Arg263_Trp264insTer.
Molecular consequence: nonsense. On other transcripts: 5 prime UTR variant (17), non-coding transcript variant (3).
Genome position (GRCh38, 1-based): chr8:144,516,327, C deleted on the plus strand (G on the coding strand, the reverse complement: RECQL4 is on the minus strand); the first of 2 consecutive C bases (chr8:144,516,327-144,516,328); deleting either gives the same sequence. VCF-style (leftmost placement, unchanged base first): chr8-144516326-TC-T. GRCh37 (hg19) VCF-style: chr8-145741710-TC-T.
Other names: c.792del, p.Arg263_Trp264insTer (NM_001413017.1, NM_001413018.1, NM_001413019.1 and 4 more transcripts); c.-280del (NM_001413021.1, NM_001413022.1, NM_001413023.1 and 7 more transcripts); c.663del, p.Arg220_Trp221insTer (NM_001413025.1); c.-342del (NM_001413027.1, NM_001413030.1, NM_001413031.1 and 2 more transcripts); c.441del, p.Arg146_Trp147insTer (NM_001413029.1); c.-184del (NM_001413034.1); c.-549del (NM_001413043.1).
Identifiers: ClinVar variation 2974206 (VCV002974206.4), dbSNP rs2538089904, ClinGen allele CA2689127003.